The following is an entry in ClinVar:

NM_001142800.2(EYS):c.6160G>C (p.Ala2054Pro)

Gene: EYS (EGF-like photoreceptor maintenance factor; minus strand). Cytogenetic location: 6q12.
Variant type: single nucleotide variant.
Coding change: c.6160G>C on transcript NM_001142800.2 (MANE Select); coding-DNA position 6160, G replaced by C.
Protein change: p.Ala2054Pro; replaces alanine 2054 with proline.
Molecular consequence: missense variant.
Genome position (GRCh38, 1-based): chr6:64,307,001, C>G on the plus strand (G>C on the coding strand, the complement: EYS is on the minus strand). VCF-style: chr6-64307001-C-G. GRCh37 (hg19) VCF-style: chr6-65016894-C-G.
Other names: c.6160G>C, p.Ala2054Pro (NM_001292009.2); short protein forms A2054P.
Identifiers: ClinVar variation 2183786 (VCV002183786.5), dbSNP rs1420433385, ClinGen allele CA364391733.

ClinVar aggregate classification (germline): Uncertain significance. Review status: criteria provided, multiple submitters, no conflicts (2 of 4 stars). 2 submissions from 2 submitters: Uncertain significance (2). Last evaluated 2022-02-04.

gnomAD v4.1: 1 of 1,539,490 alleles (0.000065%); no homozygotes.

Submissions (2):

Labcorp Genetics (formerly Invitae), Labcorp
Classification: Uncertain significance. Last evaluated: 2022-02-04. Review status: criteria provided, single submitter. Criteria: Invitae Variant Classification Sherloc (09022015). Collection method: clinical testing. Allele origin: germline.
Comment: In summary, the available evidence is currently insufficient to determine the role of this variant in disease. Therefore, it has been classified as a Variant of Uncertain Significance. Algorithms developed to predict the effect of missense changes on protein structure and function are either unavailable or do not agree on the potential impact of this missense change (SIFT: "Tolerated"; PolyPhen-2: "Probably Damaging"; Align-GVGD: "Class C0"). This variant has not been reported in the literature in individuals affected with EYS-related conditions. This variant is not present in population databases (gnomAD no frequency). This sequence change replaces alanine, which is neutral and non-polar, with proline, which is neutral and non-polar, at codon 2054 of the EYS protein (p.Ala2054Pro).

Blueprint Genetics
Classification: Uncertain significance. Last evaluated: 2019-08-26. Review status: criteria provided, single submitter. Criteria: ACMG Guidelines, 2015. Collection method: clinical testing. Allele origin: germline.